The following is an entry in ClinVar:

NM_002880.4(RAF1):c.424-10C>G

Gene: RAF1 (Raf-1 proto-oncogene, serine/threonine kinase; minus strand). Cytogenetic location: 3p25.2.
Variant type: single nucleotide variant.
Coding change: c.424-10C>G on transcript NM_002880.4 (MANE Select); 10 bases into the intron before coding-DNA position 424, C replaced by G.
Molecular consequence: intron variant.
Genome position (GRCh38, 1-based): chr3:12,608,933, G>C on the plus strand (C>G on the coding strand, the complement: RAF1 is on the minus strand). VCF-style: chr3-12608933-G-C. GRCh37 (hg19) VCF-style: chr3-12650432-G-C.
Other names: c.181-10C>G (NM_001354695.3, NM_001354692.3, NM_001354694.3 and 1 more transcripts); c.424-10C>G (NM_001354693.3, NM_001354689.3, NM_001354690.3).
Identifiers: ClinVar variation 3057538 (VCV003057538.3), dbSNP rs2059123963, ClinGen allele CA1045157469.
Genomic context (GRCh38, chr3:12,608,933, plus strand): 5'-GAATTTCTGACAGATGTCACAGAAGGCAAGCTTCAGGAACGTCTTCCGAGCCTACAACAA[G>C]AACACAGGTGTAAATTATGCTGAATAAATAAAAGATGACAAAAGACAACTTCATTTCTTG-3'

ClinVar aggregate classification (germline): Likely benign. Review status: criteria provided, single submitter (1 of 4 stars). 2 submissions from 2 submitters: Likely benign (1). 1 of the submissions does not count toward it. Last evaluated 2025-07-08.

Conditions:
RAF1-related disorder. Also called: RAF1-related disorders; RAF1-related condition.
RASopathy. Also called: Noonan spectrum disorder; rasopathies. Identifiers: Orphanet 536391, MedGen C5555857, MONDO:0021060.

Allele frequency attached by ClinVar (database versions not stated): gnomAD 0.00001.
gnomAD v4.1: 1 of 1,613,856 alleles (0.000062%); highest among the groups gnomAD compares: Admixed American, 0.0017%; no homozygotes.

Submissions (2):

Labcorp Genetics (formerly Invitae), Labcorp
Classification: Likely benign for RASopathy. Last evaluated: 2025-07-08. Review status: criteria provided, single submitter. Criteria: Invitae Variant Classification Sherloc (09022015). Collection method: clinical testing. Allele origin: germline.

PreventionGenetics, part of Exact Sciences
Classification: Likely benign for RAF1-related condition. Last evaluated: 2021-11-30. Review status: no assertion criteria provided. Collection method: clinical testing. Allele origin: germline. Not counted in ClinVar's aggregate classification.
Comment: This variant is classified as likely benign based on ACMG/AMP sequence variant interpretation guidelines (Richards et al. 2015 PMID: 25741868, with internal and published modifications).